The following is an entry in ClinVar:

NM_001365999.1(SZT2):c.5846G>A (p.Arg1949His)

Gene: SZT2 (SZT2 subunit of KICSTOR complex; plus strand). Cytogenetic location: 1p34.2.
Variant type: single nucleotide variant.
Coding change: c.5846G>A on transcript NM_001365999.1 (MANE Select); coding-DNA position 5846, G replaced by A.
Protein change: p.Arg1949His; replaces arginine 1949 with histidine.
Molecular consequence: missense variant.
Genome position (GRCh38, 1-based): chr1:43,434,427, G>A. VCF-style: chr1-43434427-G-A. GRCh37 (hg19) VCF-style: chr1-43900098-G-A.
Other names: c.5675G>A, p.Arg1892His (NM_015284.4); short protein forms R1892H, R1949H.
Identifiers: ClinVar variation 1021727 (VCV001021727.6), dbSNP rs764143594, ClinGen allele CA809724.
Genomic context (GRCh38, chr1:43,434,427, plus strand): 5'-GATTATCCTTCCTTCCCAGGAGCCTGATTCGGGAGGATGGGGGGCCGGGCACTGAGTGTC[G>A]CCACCTGCAGCAGCTCCTGGTGAGGCGAGTTGGGGAGATCTGCAGGGAGGTCAACCAGGT-3'
Protein context (NP_001352928.1, residues 1939-1959): REDGGPGTEC[Arg1949His]HLQQLLVRRV

ClinVar aggregate classification (germline): Uncertain significance (1 of 4 stars; one submission).

Allele frequency attached by ClinVar (database versions not stated): TOPMed below 0.00001; gnomAD exomes 0.00001; ExAC 0.00002.
gnomAD v4.1: 7 of 1,598,354 alleles (0.00044%); highest among the groups gnomAD compares: Admixed American, 0.0018%; no homozygotes.

Submission:

Labcorp Genetics (formerly Invitae), Labcorp
Classification: Uncertain significance. Last evaluated: 2021-09-02. Review status: criteria provided, single submitter. Criteria: Invitae Variant Classification Sherloc (09022015). Collection method: clinical testing. Allele origin: germline.
Comment: This sequence change replaces arginine with histidine at codon 1892 of the SZT2 protein (p.Arg1892His). The arginine residue is highly conserved and there is a small physicochemical difference between arginine and histidine. This variant is present in population databases (rs764143594, ExAC 0.003%). This variant has not been reported in the literature in individuals affected with SZT2-related conditions. Algorithms developed to predict the effect of missense changes on protein structure and function are either unavailable or do not agree on the potential impact of this missense change (SIFT: "Deleterious"; PolyPhen-2: "Probably Damaging"; Align-GVGD: "Class C0"). In summary, the available evidence is currently insufficient to determine the role of this variant in disease. Therefore, it has been classified as a Variant of Uncertain Significance.